The following is an entry in ClinVar:

NM_145239.3(PRRT2):c.629dup (p.Ala211fs)

Genes: MVP-DT (MVP divergent transcript; minus strand), PRRT2 (proline rich transmembrane protein 2; plus strand). Cytogenetic location: 16p11.2.
Variant type: Duplication.
Coding change: c.629dup on transcript NM_145239.3 (MANE Select); coding-DNA position 629, one base duplicated (C; older notation c.629dupC).
Protein change: p.Ala211fs; shifts the reading frame from alanine 211.
Molecular consequence: frameshift variant.
Genome position (GRCh38, 1-based): chr16:29,813,683, C duplicated; the last of 7 consecutive C bases (chr16:29,813,677-29,813,683); duplicating any one gives the same sequence. VCF-style (leftmost placement, unchanged base first): chr16-29813676-T-TC. GRCh37 (hg19) VCF-style: chr16-29824997-T-TC.
Other names: c.629dupC (NM_145239.3, NM_145239.2); c.629dup, p.Ala211fs (NM_001256442.2, NM_001256443.2); short protein forms A211fs.
Identifiers: ClinVar variation 31171 (VCV000031171.24), dbSNP rs730882067, ClinGen allele CA129725.

ClinVar aggregate classification (germline): Pathogenic. Review status: criteria provided, multiple submitters, no conflicts (2 of 4 stars). 11 submissions from 11 submitters: Pathogenic (10). 1 of the submissions does not count toward it. Last evaluated 2026-09-15.

Conditions:
PRRT2-associated paroxysmal movement disorder. Identifiers: MedGen CN377744, MONDO:0100556.
PRRT2-Related Disorder. Also called: PRRT2-related disorders. Identifiers: MedGen CN381059.
Episodic kinesigenic dyskinesia (EKD). Also called: Paroxysmal kinesigenic dyskinesia. Identifiers: Orphanet 98809, MedGen C1868682, MONDO:0044202.
Paroxysmal central nervous system disorders.
Infantile convulsions and choreoathetosis (ICCA). Also called: PRRT2-Related Paroxysmal Kinesigenic Dyskinesia with Infantile Convulsions (PKD/IC); PAROXYSMAL KINESIGENIC DYSKINESIA WITH INFANTILE CONVULSIONS. Identifiers: Orphanet 31709, MedGen C1865926, MONDO:0011178, OMIM 602066.
Seizures, benign familial infantile, 2 (BFIS2). Also called: CONVULSIONS, BENIGN FAMILIAL INFANTILE, 2. Identifiers: Orphanet 306, MedGen C1853995, MONDO:0011593, OMIM 605751.
Episodic kinesigenic dyskinesia 1 (EKD1). Also called: PRRT2-Related Paroxysmal Kinesigenic Dyskinesia (PKD); PAROXYSMAL KINESIGENIC CHOREOATHETOSIS; Dystonia 10; PxMD-PRRT2; DYSTONIA, FAMILIAL PAROXYSMAL. Identifiers: Orphanet 98809, MedGen C4552000, MONDO:0100352, OMIM 128200, MONDO:0007494.

Submissions (11):

Genetics Laboratory, Great Ormond Street Hospital NHS Foundation Trust, North Thames Genomic Laboratory Hub
Classification: Pathogenic for Paroxysmal central nervous system disorders. Last evaluated: 2026-09-15. Review status: criteria provided, single submitter. Criteria: ACGS Best Practice Guidelines for Variant Classification in Rare Disease 2024 v1.2. Collection method: clinical testing. Allele origin: germline. Affected: yes.
Comment: PS4_moderate, PM2_moderate, PVS1_very-strong

Women's Health and Genetics/Laboratory Corporation of America, LabCorp
Classification: Pathogenic for Episodic kinesigenic dyskinesia 1. Last evaluated: 2026-06-11. Review status: criteria provided, single submitter. Criteria: LabCorp Variant Classification Summary - May 2015. Collection method: clinical testing. Allele origin: germline.
Comment: Variant summary: PRRT2 c.629dupC (p.Ala211SerfsX14) results in a premature termination codon, predicted to cause a truncation of the encoded protein or absence of the protein due to nonsense mediated decay, which are commonly known mechanisms for disease. The frequency data for this variant in gnomAD is considered unreliable, as metrics indicate poor data quality at this position. c.629dupC has been observed in individual(s) affected with PRRT2-related conditions (e.g. Zeng_2018). These data indicate that the variant may be associated with disease. To our knowledge, no experimental evidence demonstrating an impact on protein function has been reported. The following publication has been ascertained in the context of this evaluation (PMID: 29215089). ClinVar contains an entry for this variant (Variation ID: 31171). Based on the evidence outlined above, the variant was classified as pathogenic.

Labcorp Genetics (formerly Invitae), Labcorp
Classification: Pathogenic for Episodic kinesigenic dyskinesia. Last evaluated: 2025-11-09. Review status: criteria provided, single submitter. Criteria: Invitae Variant Classification Sherloc (09022015). Collection method: clinical testing. Allele origin: germline.
Comment: This sequence change creates a premature translational stop signal (p.Ala211Serfs*14) in the PRRT2 gene. It is expected to result in an absent or disrupted protein product. Loss-of-function variants in PRRT2 are known to be pathogenic (PMID: 22623405, 22744660). The frequency data for this variant in the population databases is considered unreliable, as metrics indicate poor data quality at this position in the gnomAD database. This premature translational stop signal has been observed in individual(s) with paroxysmal kinesigenic dyskinesia and benign familial infantile epilepsy (PMID: 22243967, 22744660, 24465263, 27173777). It has also been observed to segregate with disease in related individuals. This variant is also known as c.629_630insC. ClinVar contains an entry for this variant (Variation ID: 31171). For these reasons, this variant has been classified as Pathogenic.

Victorian Clinical Genetics Services, Murdoch Childrens Research Institute
Classification: Pathogenic for PRRT2-associated paroxysmal movement disorder. Last evaluated: 2024-12-31. Review status: criteria provided, single submitter. Criteria: ACMG Guidelines, 2015. Collection method: clinical testing. Allele origin: germline. Affected: yes.
Comment: This variant is classified as Pathogenic. Evidence in support of pathogenic classification: Variant is predicted to cause nonsense-mediated decay (NMD) and loss of protein (premature termination codon is located at least 54 nucleotides upstream of the final exon-exon junction); Variant is present in gnomAD <0.001 for a dominant condition (v4: 14 heterozygote(s), 0 homozygote(s)); This variant has strong previous evidence of pathogenicity in unrelated individuals. This variant has been classified as pathogenic by diagnostic laboratories in ClinVar, and has been reported in the literature in individuals with PRRT2-related features (PMIDs: 22243967, 22744660, 31722684); Other NMD-predicted variant(s) comparable to the one identified in this case have very strong previous evidence for pathogenicity (ClinVar). Additional information: This variant is heterozygous; This gene is associated with autosomal dominant disease; No published functional evidence has been identified for this variant; Loss of function is a known mechanism of disease in this gene and is associated with familial infantile convulsions with paroxysmal choreoathetosis (MIM#602066), episodic kinesigenic dyskinesia 1 (MIM#128200), benign familial infantile seizures 2 (MIM#605751) and self-limited familial infantile epilepsy (MONDO#0100024); The condition associated with this gene has incomplete penetrance. Reduced penetrance has been reported for paroxysmal kinesigenic dyskinesia (PMID: 29334453); Variants in this gene are known to have variable expressivity. Variation in phenotype has been reported within and between families with the same pathogenic variant (PMID: 29334453); Inheritance information for this variant is not currently available in this individual.

3billion
Classification: Pathogenic for Episodic kinesigenic dyskinesia 1. Last evaluated: 2024-02-20. Review status: criteria provided, single submitter. Criteria: ACMG Guidelines, 2015. Collection method: clinical testing. Allele origin: germline. Affected: yes.
Comment: The variant is observed at an extremely low frequency in the gnomAD v2.1.1 dataset (total allele frequency: 0.002%). Predicted Consequence/Location: Frameshift: predicted to result in a loss or disruption of normal protein function through nonsense-mediated decay (NMD) or protein truncation. Multiple pathogenic variants are reported downstream of the variant. The variant has been reported at least twice as pathogenic without evidence for the classification (ClinVar ID: VCV000031171 /PMID: 22243967). Therefore, this variant is classified as Pathogenic according to the recommendation of ACMG/AMP guideline.

Clinical Genetics Laboratory, Skane University Hospital Lund
Classification: Pathogenic. Last evaluated: 2023-11-08. Review status: criteria provided, single submitter. Criteria: ACMG Guidelines, 2015. Collection method: clinical testing. Allele origin: germline. Affected: yes.

Blueprint Genetics
Classification: Pathogenic for PRRT2-related disorders. Last evaluated: 2023-05-10. Review status: criteria provided, single submitter. Criteria: ACMG Guidelines, 2015. Collection method: clinical testing. Allele origin: germline. Affected: yes. Observed: 4 variant alleles.

Department of Human Genetics, Hannover Medical School
Classification: Pathogenic for Seizures, benign familial infantile, 2. Last evaluated: 2023-01-23. Review status: criteria provided, single submitter. Criteria: ACMG Guidelines, 2015. Collection method: clinical testing. Allele origin: germline. Inheritance: Autosomal dominant inheritance. Affected: yes.

GeneDx
Classification: Pathogenic. Last evaluated: 2022-06-23. Review status: criteria provided, single submitter. Criteria: GeneDx Variant Classification Process June 2021. Collection method: clinical testing. Allele origin: germline. Affected: yes.
Comment: Frameshift variant predicted to result in protein truncation or nonsense mediated decay in a gene for which loss-of-function is a known mechanism of disease; Not observed in large population cohorts (gnomAD); This variant is associated with the following publications: (PMID: 30125676, 27173777, 24465263, 25667815, 23363396, 25502464, 22744660, 22243967, 29215089)

Mendelics
Classification: Pathogenic for Episodic kinesigenic dyskinesia 1. Last evaluated: 2022-05-04. Review status: criteria provided, single submitter. Criteria: Mendelics Assertion Criteria 2019. Collection method: clinical testing. Allele origin: germline.

OMIM
Classification: Pathogenic for CONVULSIONS, FAMILIAL INFANTILE, WITH PAROXYSMAL CHOREOATHETOSIS. Last evaluated: 2012-01-13. Review status: no assertion criteria provided. Collection method: literature only. Allele origin: germline. Not counted in ClinVar's aggregate classification.

Literature cited by the submitters: PubMed 29215089 (cited by Women's Health and Genetics/Laboratory Corporation of America, LabCorp); PubMed 22623405 (cited by Labcorp Genetics (formerly Invitae), Labcorp); PubMed 22744660 (cited by Labcorp Genetics (formerly Invitae), Labcorp and Victorian Clinical Genetics Services, Murdoch Childrens Research Institute); PubMed 22243967 (cited by 4 submitters); PubMed 24465263 (cited by Labcorp Genetics (formerly Invitae), Labcorp); PubMed 27173777 (cited by Labcorp Genetics (formerly Invitae), Labcorp); PubMed 31722684 (cited by Victorian Clinical Genetics Services, Murdoch Childrens Research Institute); PubMed 29334453 (cited by Victorian Clinical Genetics Services, Murdoch Childrens Research Institute).